The following is an entry in ClinVar:

ClinVar aggregate classification (germline): Uncertain significance (1 of 4 stars; one submission).

gnomAD v4.1: 1 of 1,567,262 alleles (0.000064%); highest among the groups gnomAD compares: Non-Finnish European, 0.000087%; no homozygotes.

Submission:

GeneDx
Classification: Uncertain significance. Last evaluated: 2025-02-20. Review status: criteria provided, single submitter. Criteria: GeneDx Variant Classification Process June 2021. Collection method: clinical testing. Allele origin: germline. Affected: yes.
Comment: Not observed at significant frequency in large population cohorts (gnomAD); In silico analysis supports that this missense variant has a deleterious effect on protein structure/function; Has not been previously published as pathogenic or benign to our knowledge

NM_001385012.1(NBEA):c.2143G>A (p.Glu715Lys)

Gene: NBEA (neurobeachin; plus strand). Cytogenetic location: 13q13.3.
Variant type: single nucleotide variant.
Coding change: c.2143G>A on transcript NM_001385012.1 (MANE Select); coding-DNA position 2143, G replaced by A.
Protein change: p.Glu715Lys; replaces glutamic acid 715 with lysine.
Molecular consequence: missense variant.
Genome position (GRCh38, 1-based): chr13:35,118,288, G>A. VCF-style: chr13-35118288-G-A. GRCh37 (hg19) VCF-style: chr13-35692425-G-A.
Other names: c.2143G>A, p.Glu715Lys (NM_001379245.1, NM_015678.5); short protein forms E715K.
Identifiers: ClinVar variation 4076739 (VCV004076739.1).